The following is an entry in ClinVar:

ClinVar aggregate classification (germline): Uncertain significance (1 of 4 stars; one submission).

Allele frequency attached by ClinVar (database versions not stated): gnomAD exomes below 0.00001.
gnomAD v4.1: 1 of 1,607,646 alleles (0.000062%); highest among the groups gnomAD compares: East Asian, 0.0022%; no homozygotes.

Submission:

Labcorp Genetics (formerly Invitae), Labcorp
Classification: Uncertain significance. Last evaluated: 2023-02-18. Review status: criteria provided, single submitter. Criteria: Invitae Variant Classification Sherloc (09022015). Collection method: clinical testing. Allele origin: germline.
Comment: This sequence change replaces valine, which is neutral and non-polar, with isoleucine, which is neutral and non-polar, at codon 208 of the PSMG2 protein (p.Val208Ile). This variant is present in population databases (no rsID available, gnomAD 0.006%). This variant has not been reported in the literature in individuals affected with PSMG2-related conditions. An algorithm developed to predict the effect of missense changes on protein structure and function (PolyPhen-2) suggests that this variant is likely to be tolerated. In summary, the available evidence is currently insufficient to determine the role of this variant in disease. Therefore, it has been classified as a Variant of Uncertain Significance.

NM_020232.5(PSMG2):c.622G>A (p.Val208Ile)

Gene: PSMG2 (proteasome assembly chaperone 2; plus strand). Cytogenetic location: 18p11.21.
Variant type: single nucleotide variant.
Coding change: c.622G>A on transcript NM_020232.5 (MANE Select); coding-DNA position 622, G replaced by A.
Protein change: p.Val208Ile; replaces valine 208 with isoleucine.
Molecular consequence: missense variant.
Genome position (GRCh38, 1-based): chr18:12,724,539, G>A. VCF-style: chr18-12724539-G-A. GRCh37 (hg19) VCF-style: chr18-12724538-G-A.
Other names: c.529G>A, p.Val177Ile (NM_147163.2); short protein forms V177I, V208I.
Identifiers: ClinVar variation 2056490 (VCV002056490.4), dbSNP rs1393330870, ClinGen allele CA401970575.